The following is an entry in ClinVar:

NM_001737.5(C9):c.776C>T (p.Ala259Val)

Gene: C9 (complement C9; minus strand). Cytogenetic location: 5p13.1.
Variant type: single nucleotide variant.
Coding change: c.776C>T on transcript NM_001737.5 (MANE Select); coding-DNA position 776, C replaced by T.
Protein change: p.Ala259Val; replaces alanine 259 with valine.
Molecular consequence: missense variant.
Genome position (GRCh38, 1-based): chr5:39,315,869, G>A on the plus strand (C>T on the coding strand, the complement: C9 is on the minus strand). VCF-style: chr5-39315869-G-A. GRCh37 (hg19) VCF-style: chr5-39315971-G-A.
Other names: short protein forms A259V.
Identifiers: ClinVar variation 4777117 (VCV004777117.1).

ClinVar aggregate classification (germline): Uncertain significance (1 of 4 stars; one submission).

gnomAD v4.1: 15 of 1,611,530 alleles (0.00093%); highest among the groups gnomAD compares: African/African-American, 0.0027%; no homozygotes.

Submission:

Labcorp Genetics (formerly Invitae), Labcorp
Classification: Uncertain significance. Last evaluated: 2025-10-14. Review status: criteria provided, single submitter. Criteria: Invitae Variant Classification Sherloc (09022015). Collection method: clinical testing. Allele origin: germline.
Comment: This sequence change replaces alanine, which is neutral and non-polar, with valine, which is neutral and non-polar, at codon 259 of the C9 protein (p.Ala259Val). This variant is present in population databases (rs369467784, gnomAD 0.004%). This variant has not been reported in the literature in individuals affected with C9-related conditions. An algorithm developed to predict the effect of missense changes on protein structure and function (PolyPhen-2) suggests that this variant is likely to be tolerated. In summary, the available evidence is currently insufficient to determine the role of this variant in disease. Therefore, it has been classified as a Variant of Uncertain Significance.